The following is an entry in ClinVar:

NM_000059.4(BRCA2):c.3420T>A (p.Ser1140Arg)

Gene: BRCA2 (BRCA2 DNA repair associated; plus strand). Cytogenetic location: 13q13.1.
Variant type: single nucleotide variant.
Coding change: c.3420T>A on transcript NM_000059.4 (MANE Select); coding-DNA position 3420, T replaced by A.
Protein change: p.Ser1140Arg; replaces serine 1140 with arginine.
Molecular consequence: missense variant.
Genome position (GRCh38, 1-based): chr13:32,337,775, T>A. VCF-style: chr13-32337775-T-A. GRCh37 (hg19) VCF-style: chr13-32911912-T-A.
Other names: short protein forms S1140R.
Identifiers: ClinVar variation 952056 (VCV000952056.13), dbSNP rs118093942, ClinGen allele CA387776518.
Genomic context (GRCh38, chr13:32,337,775, plus strand): 5'-ATCAGGAAGTCAGTTTGAATTTACTCAGTTTAGAAAACCAAGCTACATATTGCAGAAGAG[T>A]ACATTTGAAGTGCCTGAAAACCAGATGACTATCTTAAAGACCACTTCTGAGGAATGCAGA-3'
Protein context (NP_000050.3, residues 1130-1150): FRKPSYILQK[Ser1140Arg]TFEVPENQMT

ClinVar aggregate classification (germline): Conflicting classifications of pathogenicity. Review status: criteria provided, conflicting classifications (1 of 4 stars). 3 submissions from 3 submitters: Uncertain significance (2); Likely benign (1). Last evaluated 2025-07-27.

Conditions:
Hereditary cancer-predisposing syndrome. Also called: Tumor predisposition; Hereditary neoplastic syndrome; Neoplastic Syndromes, Hereditary; Hereditary Cancer Syndrome. Identifiers: Orphanet 140162, MedGen C0027672, MeSH D009386, MONDO:0015356.
Hereditary breast ovarian cancer syndrome. Also called: Hereditary breast and ovarian cancer; Hereditary breast and/or ovarian cancer syndrome; Hereditary breast and ovarian cancer syndrome; Hereditary breast and ovarian cancer syndrome (HBOC); BRCA1- and BRCA2-Associated Hereditary Breast and Ovarian Cancer; Breast and ovarian cancer. Identifiers: Orphanet 145, MedGen C0677776, MeSH D061325, MONDO:0003582. Disease mechanism: loss of function.

gnomAD v4.1: 3 of 1,613,976 alleles (0.00019%); highest among the groups gnomAD compares: East Asian, 0.0067%; no homozygotes.

Submissions (3):

Labcorp Genetics (formerly Invitae), Labcorp
Classification: Uncertain significance for Hereditary breast ovarian cancer syndrome. Last evaluated: 2025-07-27. Review status: criteria provided, single submitter. Criteria: Invitae Variant Classification Sherloc (09022015). Collection method: clinical testing. Allele origin: germline.
Comment: This sequence change replaces serine, which is neutral and polar, with arginine, which is basic and polar, at codon 1140 of the BRCA2 protein (p.Ser1140Arg). This variant is not present in population databases (gnomAD no frequency). This missense change has been observed in individual(s) with breast cancer (PMID: 28179634, 29176636, 30287823). ClinVar contains an entry for this variant (Variation ID: 952056). Invitae Evidence Modeling of protein sequence and biophysical properties (such as structural, functional, and spatial information, amino acid conservation, physicochemical variation, residue mobility, and thermodynamic stability) indicates that this missense variant is not expected to disrupt BRCA2 protein function with a negative predictive value of 95%. Experimental studies have shown that this missense change does not substantially affect BRCA2 function (PMID: 30287823). In summary, the available evidence is currently insufficient to determine the role of this variant in disease. Therefore, it has been classified as a Variant of Uncertain Significance.

University of Washington Department of Laboratory Medicine, University of Washington
Classification: Likely benign for Hereditary cancer-predisposing syndrome. Last evaluated: 2023-03-23. Review status: criteria provided, single submitter. Criteria: Dines et al. (Genet Med. 2020). Collection method: curation. Allele origin: germline.
Comment: Missense variant in a coldspot region where missense variants are very unlikely to be pathogenic (PMID:31911673).

BRCA2 exon 11 coldspot. Reclassification based on statistical prior probability.

Ambry Genetics
Classification: Uncertain significance for Hereditary cancer-predisposing syndrome. Last evaluated: 2021-04-27. Review status: criteria provided, single submitter. Criteria: Ambry Variant Classification Scheme 2023. Collection method: clinical testing. Allele origin: germline.
Comment: The p.S1140R variant (also known as c.3420T>A), located in coding exon 10 of the BRCA2 gene, results from a T to A substitution at nucleotide position 3420. The serine at codon 1140 is replaced by arginine, an amino acid with dissimilar properties. This alteration was identified in a Japanese study of individuals who carry BRCA1/2 variants (Arai M et al. J Hum Genet, 2018 Apr;63:447-457). This alteration was also observed with an allele frequency of 0.00014 in 7,051 unselected female breast cancer patients and was observed with an allele frequency of 0.00027 in 11,241 female controls of Japanese ancestry. In addition, it was not observed in unselected male breast cancer patients and was observed with an allele frequency of 0.0004 in 12490 male controls of Japanese ancestry (Momozawa Y et al. Nat Commun, 2018 10;9:4083). This amino acid position is poorly conserved in available vertebrate species. In addition, this alteration is predicted to be tolerated by in silico analysis. Since supporting evidence is limited at this time, the clinical significance of this alteration remains unclear.

Literature cited by the submitters: PubMed 28179634 (cited by Labcorp Genetics (formerly Invitae), Labcorp); PubMed 29176636 (cited by Labcorp Genetics (formerly Invitae), Labcorp and Ambry Genetics); PubMed 30287823 (cited by Labcorp Genetics (formerly Invitae), Labcorp and Ambry Genetics).